The following is an entry in ClinVar:

NM_000037.4(ANK1):c.2098-1G>A

Gene: ANK1 (ankyrin 1; minus strand). Cytogenetic location: 8p11.21.
Variant type: single nucleotide variant.
Coding change: c.2098-1G>A on transcript NM_000037.4 (MANE Select); the canonical splice acceptor site of the intron before coding-DNA position 2098, G replaced by A.
Molecular consequence: splice acceptor variant.
Genome position (GRCh38, 1-based): chr8:41,704,473, C>T on the plus strand (G>A on the coding strand, the complement: ANK1 is on the minus strand). VCF-style: chr8-41704473-C-T. GRCh37 (hg19) VCF-style: chr8-41561991-C-T.
Other names: c.2197-1G>A (NM_001142446.2); c.2098-1G>A (NM_020477.3, NM_020475.3, NM_020476.3).
Identifiers: ClinVar variation 2128381 (VCV002128381.4), dbSNP rs2150612992, ClinGen allele CA371066982.

ClinVar aggregate classification (germline): Likely pathogenic (1 of 4 stars; one submission).

Submission:

Labcorp Genetics (formerly Invitae), Labcorp
Classification: Likely pathogenic. Last evaluated: 2025-07-08. Review status: criteria provided, single submitter. Criteria: Invitae Variant Classification Sherloc (09022015). Collection method: clinical testing. Allele origin: germline.
Comment: This sequence change affects an acceptor splice site in intron 18 of the ANK1 gene. It is expected to disrupt RNA splicing. Variants that disrupt the donor or acceptor splice site typically lead to a loss of protein function (PMID: 16199547), and loss-of-function variants in ANK1 are known to be pathogenic (PMID: 8640229). This variant is not present in population databases (gnomAD no frequency). Disruption of this splice site has been observed in individual(s) with hereditary spherocytosis (PMID: 36203343; internal data). ClinVar contains an entry for this variant (Variation ID: 2128381). Algorithms developed to predict the effect of sequence changes on RNA splicing suggest that this variant may disrupt the consensus splice site. In summary, the currently available evidence indicates that the variant is pathogenic, but additional data are needed to prove that conclusively. Therefore, this variant has been classified as Likely Pathogenic.

Literature cited by the submitters: PubMed 16199547; PubMed 8640229; PubMed 36203343.